The following is an entry in ClinVar:

NM_194454.3(KRIT1):c.1980A>G (p.Val660=)

Gene: KRIT1 (KRIT1 ankyrin repeat containing; minus strand). Cytogenetic location: 7q21.2.
Variant type: single nucleotide variant.
Coding change: c.1980A>G on transcript NM_194454.3 (MANE Select); coding-DNA position 1980, A replaced by G.
Protein change: p.Val660=; no amino-acid change (valine 660 retained).
Molecular consequence: synonymous variant.
Genome position (GRCh38, 1-based): chr7:92,213,240, T>C on the plus strand (A>G on the coding strand, the complement: KRIT1 is on the minus strand). VCF-style: chr7-92213240-T-C. GRCh37 (hg19) VCF-style: chr7-91842554-T-C.
Other names: p.Val660=; c.1836A>G, p.Val612= (NM_001013406.2, NM_001350669.1, NM_001350670.1); c.1266A>G, p.Val422= (NM_001350671.1); c.1980A>G, p.Val660= (NM_001350672.1, NM_001350673.1, NM_001350674.1 and 26 more transcripts).
Identifiers: ClinVar variation 263098 (VCV000263098.35), dbSNP rs11542682, ClinGen allele CA4338991.

ClinVar aggregate classification (germline): Benign. Review status: criteria provided, multiple submitters, no conflicts (2 of 4 stars). 12 submissions from 11 submitters: Benign (11). 1 of the submissions does not count toward it. Last evaluated 2026-02-01.

Conditions:
Angiokeratoma corporis diffusum with arteriovenous fistulas. Identifiers: MedGen C1838141, MONDO:0010885, OMIM 600419.
Cerebral cavernous malformation (CCM). Also called: Cerebral cavernous hemangioma (type); Cerebral cavernous malformations; Cavernous Hemangioma of Brain; CAVERNOUS ANGIOMA, FAMILIAL; CAVERNOUS ANGIOMATOUS MALFORMATIONS; CEREBRAL CAPILLARY MALFORMATIONS. Identifiers: Orphanet 221061, MedGen C2919945, MONDO:0000820, OMIM 116860, HP:0033522.

Allele frequency attached by ClinVar (database versions not stated): gnomAD exomes 0.10022 and 0.12665; ESP Exome Variant Server 0.10234; gnomAD 0.10861 and 0.11361; TOPMed 0.11667; ExAC 0.12888; 1000 Genomes Project 0.18051; 1000 Genomes Project 30x 0.18192.
gnomAD v4.1: 164,232 of 1,612,268 alleles (10%); highest among the groups gnomAD compares: East Asian, 35%; 10,372 homozygotes.

Submissions (12):

Labcorp Genetics (formerly Invitae), Labcorp
Classification: Benign for Cerebral cavernous malformation. Last evaluated: 2026-02-01. Review status: criteria provided, single submitter. Criteria: Invitae Variant Classification Sherloc (09022015). Collection method: clinical testing. Allele origin: germline.

ARUP Laboratories, Molecular Genetics and Genomics, ARUP Laboratories
Classification: Benign. Last evaluated: 2025-06-18. Review status: criteria provided, single submitter. Criteria: ARUP Molecular Germline Variant Investigation Process 2024. Collection method: clinical testing. Allele origin: germline.

Blueprint Genetics
Classification: Benign. Last evaluated: 2024-11-27. Review status: criteria provided, single submitter. Criteria: ACMG Guidelines, 2015. Collection method: clinical testing. Allele origin: germline.

Mayo Clinic Laboratories, Mayo Clinic
Classification: Benign. Last evaluated: 2023-02-23. Review status: criteria provided, single submitter. Criteria: ACMG Guidelines, 2015. Collection method: clinical testing. Allele origin: germline. Observed: 213 variant alleles.
Comment: BA1

PreventionGenetics, part of Exact Sciences
Classification: Benign. Last evaluated: 2018-04-03. Review status: criteria provided, single submitter. Criteria: ACMG Guidelines, 2015. Collection method: clinical testing. Allele origin: germline.

Athena Diagnostics
Classification: Benign. Last evaluated: 2017-11-24. Review status: criteria provided, single submitter. Criteria: Athena Diagnostics Criteria. Collection method: clinical testing. Allele origin: germline.

Illumina Laboratory Services, Illumina
Classification: Benign for Angiokeratoma corporis diffusum with arteriovenous fistulas. Last evaluated: 2017-04-27. Review status: criteria provided, single submitter. Criteria: ICSL Variant Classification Criteria 13 December 2019. Collection method: clinical testing. Allele origin: germline.
Comment: This variant was observed as part of a predisposition screen in an ostensibly healthy population. A literature search was performed for the gene, cDNA change, and amino acid change (where applicable). No publications were found based on this search. Allele frequency data from public databases was too high to be consistent with this variant causing disease. Therefore, this variant is classified as benign.

Illumina Laboratory Services, Illumina
Classification: Benign for Cerebral cavernous malformation. Last evaluated: 2017-04-27. Review status: criteria provided, single submitter. Criteria: ICSL Variant Classification Criteria 13 December 2019. Collection method: clinical testing. Allele origin: germline.
Comment: This variant was observed as part of a predisposition screen in an ostensibly healthy population. A literature search was performed for the gene, cDNA change, and amino acid change (where applicable). Publications were found based on this search. The evidence from the literature, in combination with allele frequency data from public databases where available, was sufficient to rule this variant out of causing disease. Therefore, this variant is classified as benign.

Genome Diagnostics Laboratory, University Medical Center Utrecht
Classification: Benign for Cerebral cavernous malformation. Last evaluated: 2016-03-22. Review status: criteria provided, single submitter. Criteria: ACGS Guidelines, 2013. Collection method: clinical testing. Allele origin: germline. Affected: yes. Study: VKGL Data-share Consensus.

GeneDx
Classification: Benign. Last evaluated: 2015-03-03. Review status: criteria provided, single submitter. Criteria: GeneDx Variant Classification Process June 2021. Collection method: clinical testing. Allele origin: germline. Affected: yes.
Comment: This variant is associated with the following publications: (PMID: 23485406, 20419355)

Breakthrough Genomics
Classification: Benign. Review status: criteria provided, single submitter. Criteria: ACMG Guidelines, 2015. Collection method: not provided. Allele origin: germline. Inheritance: Autosomal dominant inheritance. Affected: yes.

Clinical Genetics, Academic Medical Center
Classification: Benign. Review status: no assertion criteria provided. Collection method: clinical testing. Allele origin: germline. Affected: yes. Study: VKGL Data-share Consensus. Not counted in ClinVar's aggregate classification.

Literature cited by the submitters: PubMed 20419355 (cited by Illumina Laboratory Services, Illumina).